The following is an entry in ClinVar:

ClinVar aggregate classification (germline): Pathogenic (1 of 4 stars; one submission).

Conditions:
Early-infantile DEE. Also called: Early infantile epileptic encephalopathy with suppression bursts; Early infantile epileptic encephalopathy; Ohtahara syndrome. Identifiers: Orphanet 1934, MedGen C0393706, MONDO:0800491.

Submission:

Labcorp Genetics (formerly Invitae), Labcorp
Classification: Pathogenic for Early-infantile DEE. Last evaluated: 2019-03-12. Review status: criteria provided, single submitter. Criteria: Invitae Variant Classification Sherloc (09022015). Collection method: clinical testing. Allele origin: germline.
Comment: For these reasons, this variant has been classified as Pathogenic. Loss-of-function variants in KCNQ2 are known to be pathogenic (PMID: 14534157, 23692823, 25951140, 25959266, 26758118, 27779742). This variant has not been reported in the literature in individuals with KCNQ2-related disease. This variant is not present in population databases (ExAC no frequency). This sequence change creates a premature translational stop signal (p.Thr263Metfs*12) in the KCNQ2 gene. It is expected to result in an absent or disrupted protein product.

Literature cited by the submitters: PubMed 14534157; PubMed 23692823; PubMed 25951140; PubMed 25959266; PubMed 26758118; PubMed 27779742.

NM_172107.4(KCNQ2):c.783_787dup (p.Thr263fs)

Gene: KCNQ2 (potassium voltage-gated channel subfamily Q member 2; minus strand). Cytogenetic location: 20q13.33.
Variant type: Duplication.
Coding change: c.783_787dup on transcript NM_172107.4 (MANE Select); coding-DNA positions 783 to 787, 5 bases duplicated (TGACA; older notation c.783_787dupTGACA).
Protein change: p.Thr263fs; shifts the reading frame from threonine 263.
Molecular consequence: frameshift variant.
Genome position (GRCh38, 1-based): chr20:63,442,435-63,442,439, TGTCA duplicated on the plus strand (TGACA on the coding strand, the reverse complement: KCNQ2 is on the minus strand). VCF-style (leftmost placement, unchanged base first): chr20-63442434-G-GTGTCA. GRCh37 (hg19) VCF-style: chr20-62073787-G-GTGTCA.
Other names: c.783_787dup, p.Thr263fs (NM_004518.6, NM_172106.3, NM_172108.5 and 1 more transcripts); c.783_787dup (NM_172107.2); short protein forms T263fs.
Identifiers: ClinVar variation 651592 (VCV000651592.9), dbSNP rs1600766500, ClinGen allele CA915952277.